The following is an entry in ClinVar:

ClinVar aggregate classification (germline): Pathogenic. Review status: criteria provided, multiple submitters, no conflicts (2 of 4 stars). 3 submissions from 3 submitters: Pathogenic (3). Last evaluated 2023-05-31.

Conditions:
Hereditary cancer-predisposing syndrome. Also called: Neoplastic Syndromes, Hereditary; Hereditary Cancer Syndrome; Hereditary neoplastic syndrome; Tumor predisposition. Identifiers: Orphanet 140162, MedGen C0027672, MeSH D009386, MONDO:0015356.
Familial cancer of breast. Also called: hereditary breast carcinoma; BREAST CANCER, FAMILIAL; Hereditary breast cancer. Identifiers: Orphanet 227535, MedGen C0346153, MONDO:0016419, OMIM 114480. Disease mechanism: loss of function.
Fanconi anemia complementation group J. Also called: BRIP1-Related Fanconi Anemia. Identifiers: Orphanet 84, MedGen C1836860, MONDO:0012187, OMIM 609054.

Submissions (3):

Myriad Genetics, Inc.
Classification: Pathogenic for Familial cancer of breast. Last evaluated: 2023-05-31. Review status: criteria provided, single submitter. Criteria: Myriad Autosomal Dominant, Autosomal Recessive and X-Linked Classification Criteria (2023). Collection method: clinical testing. Allele origin: unknown.
Comment: This variant is considered pathogenic. This variant creates a frameshift predicted to result in premature protein truncation.

Labcorp Genetics (formerly Invitae), Labcorp
Classification: Pathogenic for Familial cancer of breast; Fanconi anemia complementation group J. Last evaluated: 2022-02-10. Review status: criteria provided, single submitter. Criteria: Invitae Variant Classification Sherloc (09022015). Collection method: clinical testing. Allele origin: germline.
Comment: This sequence change creates a premature translational stop signal (p.Arg160Glufs*5) in the BRIP1 gene. It is expected to result in an absent or disrupted protein product. Loss-of-function variants in BRIP1 are known to be pathogenic (PMID: 16116423, 17033622, 21964575). For these reasons, this variant has been classified as Pathogenic. ClinVar contains an entry for this variant (Variation ID: 825141). A different variant (c.478delA) giving rise to the same protein effect has been determined to be pathogenic (Invitae). This suggests that this variant is also likely to be causative of disease. This variant is not present in population databases (gnomAD no frequency).

Ambry Genetics
Classification: Pathogenic for Hereditary cancer-predisposing syndrome. Last evaluated: 2021-03-25. Review status: criteria provided, single submitter. Criteria: Ambry Variant Classification Scheme 2023. Collection method: clinical testing. Allele origin: germline.
Comment: The c.474delG variant, located in coding exon 4 of the BRIP1 gene, results from a deletion of one nucleotide at nucleotide position 474, causing a translational frameshift with a predicted alternate stop codon (p.R160Efs*5). This alteration is expected to result in loss of function by premature protein truncation or nonsense-mediated mRNA decay. As such, this alteration is interpreted as a disease-causing mutation.

Literature cited by the submitters: PubMed 16116423 (cited by Labcorp Genetics (formerly Invitae), Labcorp); PubMed 17033622 (cited by Labcorp Genetics (formerly Invitae), Labcorp); PubMed 21964575 (cited by Labcorp Genetics (formerly Invitae), Labcorp).

NM_032043.3(BRIP1):c.474del (p.Arg160fs)

Gene: BRIP1 (BRCA1 interacting DNA helicase 1; minus strand). Cytogenetic location: 17q23.2.
Variant type: Deletion.
Coding change: c.474del on transcript NM_032043.3 (MANE Select); coding-DNA position 474, one base deleted (G; older notation c.474delG).
Protein change: p.Arg160fs; shifts the reading frame from arginine 160.
Molecular consequence: frameshift variant.
Genome position (GRCh38, 1-based): chr17:61,849,162, C deleted on the plus strand (G on the coding strand, the reverse complement: BRIP1 is on the minus strand). VCF-style (leftmost placement, unchanged base first): chr17-61849161-TC-T. GRCh37 (hg19) VCF-style: chr17-59926522-TC-T.
Other names: c.474del (NM_032043.2); short protein forms R160fs.
Identifiers: ClinVar variation 825141 (VCV000825141.16), dbSNP rs1603362580, ClinGen allele CA915950669.
Genomic context (GRCh38, chr17:61,849,161, plus strand): 5'-TTATTTACTGCCAATAAACTCTGTTTACCTGCTGTGTAGTTTCTAAGGGTCGAATTCTTT[TC>T]TTCTCTACTTGAAAATCATCATTTTCATCTCTGTATATGGATGCCTGTTTCTTAGCAGAT-3'